The following is an entry in ClinVar:

ClinVar aggregate classification (germline): Pathogenic/Likely pathogenic. Review status: criteria provided, multiple submitters, no conflicts (2 of 4 stars). 3 submissions from 3 submitters: Pathogenic (1); Likely pathogenic (2). Last evaluated 2024-09-04.

Conditions:
DNAI2-related disorders.
Primary ciliary dyskinesia. Also called: Ciliary dyskinesia. Identifiers: Orphanet 244, MedGen C0008780, MONDO:0016575, HP:0012265.

gnomAD v4.1: 1 of 1,614,034 alleles (0.000062%); highest among the groups gnomAD compares: Non-Finnish European, 0.000085%; no homozygotes.

Submissions (3):

Natera, Inc.
Classification: Likely pathogenic for Primary ciliary dyskinesia. Last evaluated: 2024-09-04. Review status: criteria provided, single submitter. Criteria: Natera Variant Classification Schema (03/2026). Collection method: clinical testing. Allele origin: germline.
Comment: The c.873G>A variant in DNAI2 is a nonsense variant predicted to introduce a stop codon at amino acid 291. This variant is expected to result in nonsense mediated decay, truncation, or a dysfunctional protein product. This variant is rare in the general population with a frequency below the threshold expected for the associated phenotype(s). Given the available evidence, this variant is classified as Likely Pathogenic.

Labcorp Genetics (formerly Invitae), Labcorp
Classification: Pathogenic for Primary ciliary dyskinesia. Last evaluated: 2024-02-20. Review status: criteria provided, single submitter. Criteria: Invitae Variant Classification Sherloc (09022015). Collection method: clinical testing. Allele origin: germline.
Comment: This sequence change creates a premature translational stop signal (p.Trp291*) in the DNAI2 gene. It is expected to result in an absent or disrupted protein product. Loss-of-function variants in DNAI2 are known to be pathogenic (PMID: 18950741, 23891469). This variant is not present in population databases (gnomAD no frequency). This variant has not been reported in the literature in individuals affected with DNAI2-related conditions. For these reasons, this variant has been classified as Pathogenic.

Blueprint Genetics
Classification: Likely pathogenic for DNAI2-related disorders. Last evaluated: 2023-03-06. Review status: criteria provided, single submitter. Criteria: ACMG Guidelines, 2015. Collection method: clinical testing. Allele origin: germline. Affected: yes. Observed: 3 variant alleles.

Literature cited by the submitters: PubMed 18950741 (cited by Labcorp Genetics (formerly Invitae), Labcorp); PubMed 23891469 (cited by Labcorp Genetics (formerly Invitae), Labcorp).

NM_023036.6(DNAI2):c.873G>A (p.Trp291Ter)

Gene: DNAI2 (dynein axonemal intermediate chain 2; plus strand). Cytogenetic location: 17q25.1.
Variant type: single nucleotide variant.
Coding change: c.873G>A on transcript NM_023036.6 (MANE Select); coding-DNA position 873, G replaced by A.
Protein change: p.Trp291Ter; replaces tryptophan 291 with a stop codon.
Molecular consequence: nonsense. On other transcripts: non-coding transcript variant (1).
Genome position (GRCh38, 1-based): chr17:74,301,054, G>A. VCF-style: chr17-74301054-G-A. GRCh37 (hg19) VCF-style: chr17-72297193-G-A.
Other names: c.873G>A, p.Trp291Ter (NM_001172810.3, NM_001353167.2); c.873G>A (NM_023036.5); short protein forms W291*.
Identifiers: ClinVar variation 3701661 (VCV003701661.4).
Genomic context (GRCh38, chr17:74,301,054, plus strand): 5'-CCAGGGGAAATACAGGGCCTCGAAGTCTCACTGTCGCCCCTCCTCCCACCAGGTCATGTG[G>A]TGGGACATCCGAAAGATGAGCGAGCCCACTGAAGTTGTGATCTTGGACATCACCAAGAAG-3'